The following is an entry in ClinVar:

ClinVar aggregate classification (germline): Uncertain significance (1 of 4 stars; one submission).

Conditions:
Inborn genetic diseases. Identifiers: MedGen C0950123, MeSH D030342.

gnomAD v4.1: 1 of 1,613,288 alleles (0.000062%); highest among the groups gnomAD compares: Non-Finnish European, 0.000085%; no homozygotes.

Submission:

Ambry Genetics
Classification: Uncertain significance for Inborn genetic diseases. Last evaluated: 2026-01-10. Review status: criteria provided, single submitter. Criteria: Ambry Variant Classification Scheme 2023. Collection method: clinical testing. Allele origin: germline.
Comment: The p.G548R variant (also known as c.1642G>C), located in coding exon 11 of the ERCC6L2 gene, results from a G to C substitution at nucleotide position 1642. The glycine at codon 548 is replaced by arginine, an amino acid with dissimilar properties. This amino acid position is conserved. In addition, this alteration is predicted to be deleterious by in silico analysis. Based on the available evidence, the clinical significance of this variant remains unclear.

NM_020207.7(ERCC6L2):c.1642G>C (p.Gly548Arg)

Gene: ERCC6L2 (ERCC excision repair 6 like 2; plus strand). Cytogenetic location: 9q22.32.
Variant type: single nucleotide variant.
Coding change: c.1642G>C on transcript NM_020207.7 (MANE Select); coding-DNA position 1642, G replaced by C.
Protein change: p.Gly548Arg; replaces glycine 548 with arginine.
Molecular consequence: missense variant. On other transcripts: non-coding transcript variant (1).
Genome position (GRCh38, 1-based): chr9:95,928,755, G>C. VCF-style: chr9-95928755-G-C. GRCh37 (hg19) VCF-style: chr9-98691037-G-C.
Other names: c.1642G>C, p.Gly548Arg (NM_001010895.4, NM_001375291.1, NM_001375292.1 and 2 more transcripts); short protein forms G548R.
Identifiers: ClinVar variation 4844058 (VCV004844058.1).